The following is an entry in ClinVar:

NM_005585.5(SMAD6):c.1389C>A (p.Ser463Arg)

Gene: SMAD6 (SMAD family member 6; plus strand). Cytogenetic location: 15q22.31.
Variant type: single nucleotide variant.
Coding change: c.1389C>A on transcript NM_005585.5 (MANE Select); coding-DNA position 1389, C replaced by A.
Protein change: p.Ser463Arg; replaces serine 463 with arginine.
Molecular consequence: missense variant. On other transcripts: non-coding transcript variant (1).
Genome position (GRCh38, 1-based): chr15:66,781,433, C>A. VCF-style: chr15-66781433-C-A. GRCh37 (hg19) VCF-style: chr15-67073771-C-A.
Other names: short protein forms S463R.
Identifiers: ClinVar variation 3697110 (VCV003697110.2).
Genomic context (GRCh38, chr15:66,781,433, plus strand): 5'-CTCGGGCCTGCAGCACGCGCCCGAGCCCGACGCCGCCGACGGCCCCTACGACCCCAACAG[C>A]GTCCGCATCAGCTTCGCCAAGGGCTGGGGGCCCTGCTACTCCCGGCAGTTCATCACCTCC-3'
Protein context (NP_005576.3, residues 453-473): DAADGPYDPN[Ser463Arg]VRISFAKGWG

ClinVar aggregate classification (germline): Uncertain significance (1 of 4 stars; one submission).

Conditions:
Aortic valve disease 2 (AOVD2). Identifiers: MedGen C3542024, MONDO:0013902, OMIM 614823.

gnomAD v4.1: 3 of 1,605,272 alleles (0.00019%); highest among the groups gnomAD compares: Non-Finnish European, 0.00025%; no homozygotes.

Submission:

Labcorp Genetics (formerly Invitae), Labcorp
Classification: Uncertain significance for Aortic valve disease 2. Last evaluated: 2024-06-16. Review status: criteria provided, single submitter. Criteria: Invitae Variant Classification Sherloc (09022015). Collection method: clinical testing. Allele origin: germline.
Comment: This sequence change replaces serine, which is neutral and polar, with arginine, which is basic and polar, at codon 463 of the SMAD6 protein (p.Ser463Arg). This variant is not present in population databases (gnomAD no frequency). This variant has not been reported in the literature in individuals affected with SMAD6-related conditions. Advanced modeling of protein sequence and biophysical properties (such as structural, functional, and spatial information, amino acid conservation, physicochemical variation, residue mobility, and thermodynamic stability) has been performed at Invitae for this missense variant, however the output from this modeling did not meet the statistical confidence thresholds required to predict the impact of this variant on SMAD6 protein function. In summary, the available evidence is currently insufficient to determine the role of this variant in disease. Therefore, it has been classified as a Variant of Uncertain Significance.